The following is an entry in ClinVar:

ClinVar aggregate classification (germline): Uncertain significance (1 of 4 stars; one submission).

Conditions:
Charcot-Marie-Tooth disease type 4. Also called: Charcot-Marie-Tooth disease, type IV; Charcot-Marie-Tooth, Type 4. Identifiers: Orphanet 64749, MedGen C4082197, MONDO:0018995.

Submission:

Labcorp Genetics (formerly Invitae), Labcorp
Classification: Uncertain significance for Charcot-Marie-Tooth disease type 4. Last evaluated: 2022-06-17. Review status: criteria provided, single submitter. Criteria: Invitae Variant Classification Sherloc (09022015). Collection method: clinical testing. Allele origin: germline.
Comment: In summary, the available evidence is currently insufficient to determine the role of this variant in disease. Therefore, it has been classified as a Variant of Uncertain Significance. Experimental studies and prediction algorithms are not available or were not evaluated, and the functional significance of this variant is currently unknown. This variant has not been reported in the literature in individuals affected with PRX-related conditions. This variant results in a copy number gain of the genomic region encompassing exon(s) 6-7 of the PRX gene. This region includes the termination codon of the gene. This copy number gain extends beyond the assayed region for this gene and therefore may encompass additional genes. As the precise location of this event is unknown, it may be in tandem or it may be located elsewhere in the genome.

NC_000019.9:g.(?_40899873)_(40904743_?)dup

Gene: PRX (periaxin; minus strand). Cytogenetic location: 19q13.2.
Variant type: Duplication.
Identifiers: ClinVar variation 2427582 (VCV002427582.4).